The following is an entry in ClinVar:

NM_020937.4(FANCM):c.5175T>G (p.Asn1725Lys)

Gene: FANCM (FA complementation group M; plus strand). Cytogenetic location: 14q21.2.
Variant type: single nucleotide variant.
Coding change: c.5175T>G on transcript NM_020937.4 (MANE Select); coding-DNA position 5175, T replaced by G.
Protein change: p.Asn1725Lys; replaces asparagine 1725 with lysine.
Molecular consequence: missense variant.
Genome position (GRCh38, 1-based): chr14:45,189,197, T>G. VCF-style: chr14-45189197-T-G. GRCh37 (hg19) VCF-style: chr14-45658400-T-G.
Other names: c.5097T>G, p.Asn1699Lys (NM_001308133.2); short protein forms N1725K, N1699K.
Identifiers: ClinVar variation 4254573 (VCV004254573.1).

ClinVar aggregate classification (germline): Uncertain significance (1 of 4 stars; one submission).

Conditions:
Inborn genetic diseases. Identifiers: MedGen C0950123, MeSH D030342.

Submission:

Ambry Genetics
Classification: Uncertain significance for Inborn genetic diseases. Last evaluated: 2025-07-05. Review status: criteria provided, single submitter. Criteria: Ambry Variant Classification Scheme 2023. Collection method: clinical testing. Allele origin: germline.
Comment: The p.N1725K variant (also known as c.5175T>G), located in coding exon 20 of the FANCM gene, results from a T to G substitution at nucleotide position 5175. The asparagine at codon 1725 is replaced by lysine, an amino acid with similar properties. This amino acid position is conserved. In addition, this alteration is predicted to be tolerated by in silico analysis. Based on the available evidence, the clinical significance of this variant remains unclear.